The following is an entry in ClinVar:

ClinVar aggregate classification (germline): Uncertain significance. Review status: criteria provided, multiple submitters, no conflicts (2 of 4 stars). 2 submissions from 2 submitters: Uncertain significance (2). Last evaluated 2024-12-13.

Allele frequency attached by ClinVar (database versions not stated): gnomAD exomes 0.00005 and 0.00007; TOPMed 0.00005; ExAC 0.00008; 1000 Genomes Project 0.00020; 1000 Genomes Project 30x 0.00031.
gnomAD v4.1: 75 of 1,613,932 alleles (0.0046%); highest among the groups gnomAD compares: South Asian, 0.056%; 1 homozygote.

Submissions (2):

GeneDx
Classification: Uncertain significance. Last evaluated: 2024-12-13. Review status: criteria provided, single submitter. Criteria: GeneDx Variant Classification Process June 2021. Collection method: clinical testing. Allele origin: germline. Affected: yes.
Comment: In silico analysis indicates that this missense variant does not alter protein structure/function; Has not been previously published as pathogenic or benign to our knowledge

Labcorp Genetics (formerly Invitae), Labcorp
Classification: Uncertain significance. Last evaluated: 2022-10-17. Review status: criteria provided, single submitter. Criteria: Invitae Variant Classification Sherloc (09022015). Collection method: clinical testing. Allele origin: germline.
Comment: In summary, the available evidence is currently insufficient to determine the role of this variant in disease. Therefore, it has been classified as a Variant of Uncertain Significance. Algorithms developed to predict the effect of missense changes on protein structure and function (SIFT, PolyPhen-2, Align-GVGD) all suggest that this variant is likely to be tolerated. ClinVar contains an entry for this variant (Variation ID: 1450210). This variant has not been reported in the literature in individuals affected with LRRK1-related conditions. This variant is present in population databases (rs572219729, gnomAD 0.05%). This sequence change replaces alanine, which is neutral and non-polar, with threonine, which is neutral and polar, at codon 1648 of the LRRK1 protein (p.Ala1648Thr).

NM_024652.6(LRRK1):c.4942G>A (p.Ala1648Thr)

Genes: LRRK1 (leucine rich repeat kinase 1; plus strand), LRRK1-AS1 (LRRK1 antisense RNA 1; minus strand). Cytogenetic location: 15q26.3.
Variant type: single nucleotide variant.
Coding change: c.4942G>A on transcript NM_024652.6 (MANE Select); coding-DNA position 4942, G replaced by A.
Protein change: p.Ala1648Thr; replaces alanine 1648 with threonine.
Molecular consequence: missense variant.
Genome position (GRCh38, 1-based): chr15:101,065,379, G>A. VCF-style: chr15-101065379-G-A. GRCh37 (hg19) VCF-style: chr15-101605584-G-A.
Other names: c.4942G>A (NM_024652.4); short protein forms A1648T.
Identifiers: ClinVar variation 1450210 (VCV001450210.9), dbSNP rs572219729, ClinGen allele CA7762026.